The following is an entry in ClinVar:

ClinVar aggregate classification (germline): Likely pathogenic (1 of 4 stars; one submission).

Conditions:
Fanconi anemia complementation group G. Also called: FANCG-Related Fanconi Anemia; Fanconi anemia group G. Identifiers: Orphanet 84, MedGen C3469527, MONDO:0013565, OMIM 614082.

Submission:

Human Genetics Section, Sidra Medicine
Classification: Likely pathogenic for Fanconi anemia complementation group G. Last evaluated: 2024-07-11. Review status: criteria provided, single submitter. Criteria: ACMG Guidelines, 2015. Collection method: research. Allele origin: unknown. Affected: yes.
Comment: The p.Arg119Glyfs*35 variant in FANCG has been reported in an individual affected with Fanconi Anemia. The variant was absent form large population studies. The bone marrow biopsy revealed 70% cellularity with decreased granulocytes and megakaryocytes, indicating early-stage Fanconi anemia. Whole Genome Sequencing (WGS) was performed, identifying a variant that explains the observed phenotypes. We are currently preparing a publication detailing these findings, and the PubMed ID (PMID) will be provided upon release.

NM_004629.2(FANCG):c.355_356del (p.Arg119fs)

Gene: FANCG (FA complementation group G; minus strand). Cytogenetic location: 9p13.3.
Variant type: Deletion.
Coding change: c.355_356del on transcript NM_004629.2 (MANE Select); coding-DNA positions 355 to 356, 2 bases deleted (AG; older notation c.355_356delAG).
Protein change: p.Arg119fs; shifts the reading frame from arginine 119.
Molecular consequence: frameshift variant.
Genome position (GRCh38, 1-based): chr9:35,078,295-35,078,296, CT deleted on the plus strand (AG on the coding strand, the reverse complement: FANCG is on the minus strand). VCF-style (leftmost placement, unchanged base first): chr9-35078294-CCT-C. GRCh37 (hg19) VCF-style: chr9-35078291-CCT-C.
Other names: c.355_356delAG (NM_004629.2); short protein forms R119fs.
Identifiers: ClinVar variation 3257741 (VCV003257741.2).
Genomic context (GRCh38, chr9:35,078,294, plus strand): 5'-CAGGGCAGACAGCAGCTCCGGCAGAAGGCAGGAAGCACGAAGGACAGAGTCCCACAGCTC[CCT>C]GAGCCCCTGTTCCAACCTGGGCCCCTGCTGCTCCTGTGTCTCCAGCACTGTAGAGTATAC-3'